The following is an entry in ClinVar:

NM_001009944.3(PKD1):c.11336_11337insGCGGCTTCAGCACCAG (p.Ser3779fs)

Genes: PKD1 (polycystin 1, transient receptor potential channel interacting; minus strand), PKD1-AS1 (PKD1 antisense RNA 1; plus strand). Cytogenetic location: 16p13.3.
Variant type: Insertion.
Coding change: c.11336_11337insGCGGCTTCAGCACCAG on transcript NM_001009944.3 (MANE Select); coding-DNA positions 11336 to 11337, GCGGCTTCAGCACCAG inserted.
Protein change: p.Ser3779fs; shifts the reading frame from serine 3779.
Molecular consequence: frameshift variant.
Genome position: GRCh38 VCF-style: chr16-2092121-G-GCTGGTGCTGAAGCCGC. GRCh37 (hg19) VCF-style: chr16-2142122-G-GCTGGTGCTGAAGCCGC.
Other names: c.11333_11334insGCGGCTTCAGCACCAG, p.Ser3778fs (NM_000296.4); short protein forms S3778fs, S3779fs.
Identifiers: ClinVar variation 4531195 (VCV004531195.1).

ClinVar aggregate classification (germline): Likely pathogenic (1 of 4 stars; one submission).

Conditions:
Polycystic kidney disease, adult type (PKD1). Also called: Polycystic Kidney, Autosomal Dominant; POLYCYSTIC KIDNEY DISEASE, ADULT, TYPE I; Polycystic Kidney Disease 1, Autosomal Dominant; Polycystic kidney disease 1; Polycystic kidney disease 1, severe; POLYCYSTIC KIDNEY DISEASE 1 WITH OR WITHOUT POLYCYSTIC LIVER DISEASE. Identifiers: MedGen C3149841, MONDO:0008263, OMIM 173900.

Submission:

Juno Genomics, Hangzhou Juno Genomics, Inc
Classification: Likely pathogenic for Polycystic kidney disease, adult type. Review status: criteria provided, single submitter. Criteria: ACMG Guidelines, 2015. Collection method: clinical testing. Allele origin: germline. Affected: yes.
Comment: Absent from controls (or at extremely low frequency if recessive) in Genome Aggregation Database, Exome Sequencing Project, 1000 Genomes Project, or Exome Aggregation Consortium.;Null variant in a gene where loss of function (LOF) is a known mechanism of disease.